The following is an entry in ClinVar:

NM_004006.3(DMD):c.2822C>T (p.Pro941Leu)

Gene: DMD (dystrophin; minus strand). Cytogenetic location: Xp21.1.
Variant type: single nucleotide variant.
Coding change: c.2822C>T on transcript NM_004006.3 (MANE Select); coding-DNA position 2822, C replaced by T.
Protein change: p.Pro941Leu; replaces proline 941 with leucine.
Molecular consequence: missense variant.
Genome position (GRCh38, 1-based): chrX:32,472,291, G>A on the plus strand (C>T on the coding strand, the complement: DMD is on the minus strand). VCF-style: chrX-32472291-G-A. GRCh37 (hg19) VCF-style: chrX-32490408-G-A.
Other names: c.2798C>T, p.Pro933Leu (NM_000109.4); c.2810C>T, p.Pro937Leu (NM_004009.3); c.2453C>T, p.Pro818Leu (NM_004010.3); c.2822C>T (NM_004006.2); short protein forms P818L, P933L, P937L, P941L.
Identifiers: ClinVar variation 1063006 (VCV001063006.8), dbSNP rs373914964, ClinGen allele CA10379423.

ClinVar aggregate classification (germline): Uncertain significance. Review status: criteria provided, multiple submitters, no conflicts (2 of 4 stars). 3 submissions from 3 submitters: Uncertain significance (2). 1 of the submissions does not count toward it. Last evaluated 2025-05-05.

Conditions:
Cardiomyopathy (CMYO). Also called: Cardiomyopathies. Identifiers: Orphanet 167848, MedGen C0878544, MONDO:0004994, HP:0001638. Inheritance: Various modes of inheritance.
Dystrophin deficiency.
Duchenne muscular dystrophy (DMD). Also called: MUSCULAR DYSTROPHY, PSEUDOHYPERTROPHIC PROGRESSIVE, DUCHENNE TYPE; Duchenne Muscular Dystrophy (DMD). Identifiers: Orphanet 98896, MedGen C0013264, MONDO:0010679, OMIM 310200.
Becker muscular dystrophy (BMD). Also called: Becker Muscular Dystrophy (BMD); MUSCULAR DYSTROPHY, PSEUDOHYPERTROPHIC PROGRESSIVE, BECKER TYPE. Identifiers: Orphanet 98895, MedGen C0917713, MONDO:0010311, OMIM 300376.
Cardiovascular phenotype. Identifiers: MedGen CN230736.

Allele frequency attached by ClinVar (database versions not stated): ESP Exome Variant Server 0.00009; gnomAD exomes below 0.00001; ExAC 0.00001.
gnomAD v4.1: 5 of 1,210,467 alleles (0.00041%); highest among the groups gnomAD compares: Non-Finnish European, 0.00056%; no homozygotes.

Submissions (3):

Ambry Genetics
Classification: Uncertain significance for Cardiovascular phenotype. Last evaluated: 2025-05-05. Review status: criteria provided, single submitter. Criteria: Ambry Variant Classification Scheme 2023. Collection method: clinical testing. Allele origin: germline.
Comment: The p.P941L variant (also known as c.2822C>T), located in coding exon 22 of the DMD gene, results from a C to T substitution at nucleotide position 2822. The proline at codon 941 is replaced by leucine, an amino acid with similar properties. This amino acid position is highly conserved in available vertebrate species. In addition, this alteration is predicted to be tolerated by in silico analysis. Based on the available evidence, the clinical significance of this variant remains unclear.

Labcorp Genetics (formerly Invitae), Labcorp
Classification: Uncertain significance for Duchenne muscular dystrophy. Last evaluated: 2024-07-21. Review status: criteria provided, single submitter. Criteria: Invitae Variant Classification Sherloc (09022015). Collection method: clinical testing. Allele origin: germline.
Comment: This sequence change replaces proline, which is neutral and non-polar, with leucine, which is neutral and non-polar, at codon 941 of the DMD protein (p.Pro941Leu). This variant is present in population databases (rs373914964, gnomAD 0.001%). This variant has not been reported in the literature in individuals affected with DMD-related conditions. ClinVar contains an entry for this variant (Variation ID: 1063006). Advanced modeling of protein sequence and biophysical properties (such as structural, functional, and spatial information, amino acid conservation, physicochemical variation, residue mobility, and thermodynamic stability) performed at Invitae indicates that this missense variant is not expected to disrupt DMD protein function with a negative predictive value of 95%. In summary, the available evidence is currently insufficient to determine the role of this variant in disease. Therefore, it has been classified as a Variant of Uncertain Significance.

Natera, Inc.
Classification: Uncertain significance for Becker muscular dystrophy; Cardiomyopathy; Duchenne muscular dystrophy; Dystrophin deficiency. Last evaluated: 2019-02-28. Review status: no assertion criteria provided. Collection method: clinical testing. Allele origin: germline. Not counted in ClinVar's aggregate classification.